The following is an entry in ClinVar:

ClinVar aggregate classification (germline): Uncertain significance. Review status: criteria provided, multiple submitters, no conflicts (2 of 4 stars). 2 submissions from 2 submitters: Uncertain significance (2). Last evaluated 2025-08-02.

Conditions:
Autosomal dominant nocturnal frontal lobe epilepsy 5. Also called: KCNT1-Related Epilepsy; CILIARY DYSKINESIA, PRIMARY, 28, WITH SITUS INVERSUS; CILIARY DYSKINESIA, PRIMARY, 28, WITHOUT SITUS INVERSUS; Epilepsy, nocturnal frontal lobe, 5. Identifiers: Orphanet 98784, MedGen C3554306, MONDO:0014002, OMIM 615005.
Developmental and epileptic encephalopathy, 14 (DEE14). Also called: Early infantile epileptic encephalopathy 14. Identifiers: Orphanet 293181, MedGen C3554195, MONDO:0013989, OMIM 614959.
Inborn genetic diseases. Identifiers: MedGen C0950123, MeSH D030342.

Allele frequency attached by ClinVar (database versions not stated): gnomAD 0.00001; TOPMed 0.00002.
gnomAD v4.1: 2 of 1,613,796 alleles (0.00012%); highest among the groups gnomAD compares: African/African-American, 0.0027%; no homozygotes.

Submissions (2):

Ambry Genetics
Classification: Uncertain significance for Inborn genetic diseases. Last evaluated: 2025-08-02. Review status: criteria provided, single submitter. Criteria: Ambry Variant Classification Scheme 2023. Collection method: clinical testing. Allele origin: germline.

Labcorp Genetics (formerly Invitae), Labcorp
Classification: Uncertain significance for Autosomal dominant nocturnal frontal lobe epilepsy 5; Developmental and epileptic encephalopathy, 14. Last evaluated: 2022-11-29. Review status: criteria provided, single submitter. Criteria: Invitae Variant Classification Sherloc (09022015). Collection method: clinical testing. Allele origin: germline.
Comment: In summary, the available evidence is currently insufficient to determine the role of this variant in disease. Therefore, it has been classified as a Variant of Uncertain Significance. Advanced modeling of protein sequence and biophysical properties (such as structural, functional, and spatial information, amino acid conservation, physicochemical variation, residue mobility, and thermodynamic stability) performed at Invitae indicates that this missense variant is expected to disrupt KCNT1 protein function. This variant has not been reported in the literature in individuals affected with KCNT1-related conditions. This variant is present in population databases (no rsID available, gnomAD 0.01%). This sequence change replaces methionine, which is neutral and non-polar, with threonine, which is neutral and polar, at codon 927 of the KCNT1 protein (p.Met927Thr).

NM_020822.3(KCNT1):c.2780T>C (p.Met927Thr)

Gene: KCNT1 (potassium sodium-activated channel subfamily T member 1; plus strand). Cytogenetic location: 9q34.3.
Variant type: single nucleotide variant.
Coding change: c.2780T>C on transcript NM_020822.3 (MANE Select); coding-DNA position 2780, T replaced by C.
Protein change: p.Met927Thr; replaces methionine 927 with threonine.
Molecular consequence: missense variant.
Genome position (GRCh38, 1-based): chr9:135,779,409, T>C. VCF-style: chr9-135779409-T-C. GRCh37 (hg19) VCF-style: chr9-138671255-T-C.
Other names: c.2780T>C (NM_020822.2); c.2645T>C, p.Met882Thr (NM_001272003.2); short protein forms M882T, M927T.
Identifiers: ClinVar variation 2924065 (VCV002924065.2), dbSNP rs898473286, ClinGen allele CA201481218.